The following is an entry in ClinVar:

ClinVar aggregate classification (germline): Conflicting classifications of pathogenicity. Review status: criteria provided, conflicting classifications (1 of 4 stars). 2 submissions from 2 submitters: Uncertain significance (1); Likely benign (1). Last evaluated 2023-03-23.

Conditions:
Hereditary cancer-predisposing syndrome. Also called: Hereditary neoplastic syndrome; Neoplastic Syndromes, Hereditary; Tumor predisposition; Hereditary Cancer Syndrome. Identifiers: Orphanet 140162, MedGen C0027672, MeSH D009386, MONDO:0015356.
Hereditary breast ovarian cancer syndrome. Also called: Hereditary breast and ovarian cancer syndrome; Hereditary breast and ovarian cancer syndrome (HBOC); Breast and ovarian cancer; Hereditary breast and ovarian cancer; BRCA1- and BRCA2-Associated Hereditary Breast and Ovarian Cancer; Hereditary breast and/or ovarian cancer syndrome. Identifiers: Orphanet 145, MedGen C0677776, MeSH D061325, MONDO:0003582. Disease mechanism: loss of function.

Submissions (2):

University of Washington Department of Laboratory Medicine, University of Washington
Classification: Likely benign for Hereditary cancer-predisposing syndrome. Last evaluated: 2023-03-23. Review status: criteria provided, single submitter. Criteria: Dines et al. (Genet Med. 2020). Collection method: curation. Allele origin: germline.
Comment: Missense variant in a coldspot region where missense variants are very unlikely to be pathogenic (PMID:31911673).

BRCA1 coldspot (exon 11 using historical exon numbering). Reclassification based on statistical prior probability

Labcorp Genetics (formerly Invitae), Labcorp
Classification: Uncertain significance for Hereditary breast ovarian cancer syndrome. Last evaluated: 2021-12-20. Review status: criteria provided, single submitter. Criteria: Invitae Variant Classification Sherloc (09022015). Collection method: clinical testing. Allele origin: germline.
Comment: This sequence change replaces glycine, which is neutral and non-polar, with cysteine, which is neutral and slightly polar, at codon 1048 of the BRCA1 protein (p.Gly1048Cys). This variant is not present in population databases (gnomAD no frequency). In summary, the available evidence is currently insufficient to determine the role of this variant in disease. Therefore, it has been classified as a Variant of Uncertain Significance. Advanced modeling of protein sequence and biophysical properties (such as structural, functional, and spatial information, amino acid conservation, physicochemical variation, residue mobility, and thermodynamic stability) performed at Invitae indicates that this missense variant is not expected to disrupt BRCA1 protein function. This variant has not been reported in the literature in individuals affected with BRCA1-related conditions.

NM_007294.4(BRCA1):c.3142G>T (p.Gly1048Cys)

Gene: BRCA1 (BRCA1 DNA repair associated; minus strand). Cytogenetic location: 17q21.31.
Variant type: single nucleotide variant.
Coding change: c.3142G>T on transcript NM_007294.4 (MANE Select); coding-DNA position 3142, G replaced by T.
Protein change: p.Gly1048Cys; replaces glycine 1048 with cysteine.
Molecular consequence: missense variant. On other transcripts: intron variant (137).
Genome position (GRCh38, 1-based): chr17:43,092,389, C>A on the plus strand (G>T on the coding strand, the complement: BRCA1 is on the minus strand). VCF-style: chr17-43092389-C-A. GRCh37 (hg19) VCF-style: chr17-41244406-C-A.
Other names: c.3001G>T, p.Gly1001Cys (NM_001407944.1, NM_001407945.1, NM_001407942.1 and 29 more transcripts); c.2809G>T, p.Gly937Cys (NM_001407946.1, NM_001407947.1, NM_001407948.1 and 6 more transcripts); c.2998G>T, p.Gly1000Cys (NM_001407943.1, NM_001407740.1, NM_001407741.1 and 20 more transcripts); c.2806G>T, p.Gly936Cys (NM_001407958.1, NM_001407954.1, NM_001407955.1 and 1 more transcripts); c.2761G>T, p.Gly921Cys (NM_001407959.1, NM_001407960.1, NM_001407963.1); c.3016G>T, p.Gly1006Cys (NM_001407940.1, NM_001407941.1, NM_001407649.1 and 11 more transcripts); c.2929G>T, p.Gly977Cys (NM_001407571.1, NM_001407853.1, NM_001407894.1 and 9 more transcripts); c.3142G>T, p.Gly1048Cys (NM_001407581.1, NM_001407582.1, NM_001407583.1 and 30 more transcripts); and 41 more; short protein forms G1000C, G1022C, G920C, G921C, G980C, G981C, G1001C, G1006C.
Identifiers: ClinVar variation 2050082 (VCV002050082.6), dbSNP rs2154340384, ClinGen allele CA10595696.